The following is an entry in ClinVar:

ClinVar aggregate classification (germline): Likely benign. Review status: criteria provided, multiple submitters, no conflicts (2 of 4 stars). 7 submissions from 7 submitters: Likely benign (7). Last evaluated 2025-05-19.

Conditions:
Familial thoracic aortic aneurysm and aortic dissection (TAAD). Also called: Thoracic aortic aneurysms and dissections. Identifiers: Orphanet 91387, MedGen C4707243, MONDO:0019625.
Marfan syndrome (MFS). Also called: Marfan syndrome type 1; Marfan syndrome, classic; FBN1-Related Marfan Syndrome; Marfan's syndrome; MARFAN SYNDROME, TYPE I. Identifiers: Orphanet 284963, Orphanet 558, MedGen C0024796, MONDO:0007947, OMIM 154700.

Allele frequency attached by ClinVar (database versions not stated): TOPMed 0.00002.
gnomAD v4.1: 27 of 1,613,936 alleles (0.0017%); highest among the groups gnomAD compares: East Asian, 0.0045%; no homozygotes.

Submissions (7):

Labcorp Genetics (formerly Invitae), Labcorp
Classification: Likely benign for Marfan syndrome; Familial thoracic aortic aneurysm and aortic dissection. Last evaluated: 2025-05-19. Review status: criteria provided, single submitter. Criteria: Invitae Variant Classification Sherloc (09022015). Collection method: clinical testing. Allele origin: germline.

All of Us Research Program, National Institutes of Health
Classification: Likely benign for Marfan syndrome. Last evaluated: 2024-05-30. Review status: criteria provided, single submitter. Criteria: ACMG Guidelines, 2015. Collection method: clinical testing. Allele origin: germline. Inheritance: Autosomal dominant inheritance. Observed: 2 variant alleles, 2 heterozygotes.
Comment: This study involves interpretation of variants in research participants for the purpose of population health screening. Participant phenotype was not available at the time of variant classification. Additional details can be found in publication PMID: 35346344, PMCID: PMC8962531

ARUP Laboratories, Molecular Genetics and Genomics, ARUP Laboratories
Classification: Likely benign. Last evaluated: 2023-11-05. Review status: criteria provided, single submitter. Criteria: ARUP Molecular Germline Variant Investigation Process 2024. Collection method: clinical testing. Allele origin: germline.

Blueprint Genetics
Classification: Likely benign. Last evaluated: 2022-10-31. Review status: criteria provided, single submitter. Criteria: ACMG Guidelines, 2015. Collection method: clinical testing. Allele origin: germline.

CeGaT Center for Human Genetics Tuebingen
Classification: Likely benign. Last evaluated: 2020-03-01. Review status: criteria provided, single submitter. Criteria: CeGaT Center For Human Genetics Tuebingen Variant Classification Criteria Version 2. Collection method: clinical testing. Allele origin: germline. Affected: yes. Observed: 1 variant allele.

Color Diagnostics, LLC DBA Color Health
Classification: Likely benign for Familial thoracic aortic aneurysm and aortic dissection. Last evaluated: 2019-09-16. Review status: criteria provided, single submitter. Criteria: ACMG Guidelines, 2015. Collection method: clinical testing. Allele origin: germline.

Ambry Genetics
Classification: Likely benign for Familial thoracic aortic aneurysm and aortic dissection. Last evaluated: 2016-03-10. Review status: criteria provided, single submitter. Criteria: Ambry Variant Classification Scheme 2023. Collection method: clinical testing. Allele origin: germline.

NM_000138.5(FBN1):c.2952C>T (p.Val984=)

Gene: FBN1 (fibrillin 1; minus strand). Cytogenetic location: 15q21.1.
Variant type: single nucleotide variant.
Coding change: c.2952C>T on transcript NM_000138.5 (MANE Select); coding-DNA position 2952, C replaced by T.
Protein change: p.Val984=; no amino-acid change (valine 984 retained).
Molecular consequence: synonymous variant.
Genome position (GRCh38, 1-based): chr15:48,489,981, G>A on the plus strand (C>T on the coding strand, the complement: FBN1 is on the minus strand). VCF-style: chr15-48489981-G-A. GRCh37 (hg19) VCF-style: chr15-48782178-G-A.
Identifiers: ClinVar variation 519702 (VCV000519702.51), dbSNP rs374670384, ClinGen allele CA269533600.